The following is an entry in ClinVar:

ClinVar aggregate classification (germline): Uncertain significance. Review status: criteria provided, multiple submitters, no conflicts (2 of 4 stars). 2 submissions from 2 submitters: Uncertain significance (2). Last evaluated 2026-07-06.

Conditions:
Gorlin syndrome. Also called: Nevoid Basal Cell Carcinoma Syndrome; Basal cell nevus syndrome. Identifiers: Orphanet 377, MedGen C0004779, MONDO:0007187.
Hereditary cancer-predisposing syndrome. Also called: Hereditary Cancer Syndrome; Hereditary neoplastic syndrome; Neoplastic Syndromes, Hereditary; Tumor predisposition. Identifiers: Orphanet 140162, MedGen C0027672, MeSH D009386, MONDO:0015356.

Submissions (2):

Ambry Genetics
Classification: Uncertain significance for Hereditary cancer-predisposing syndrome. Last evaluated: 2026-07-06. Review status: criteria provided, single submitter. Criteria: Ambry Variant Classification Scheme 2023. Collection method: clinical testing. Allele origin: germline.
Comment: The p.K366N variant (also known as c.1098A>C), located in coding exon 9 of the PTCH1 gene, results from an A to C substitution at nucleotide position 1098. The lysine at codon 366 is replaced by asparagine, an amino acid with similar properties. This amino acid position is conserved. In addition, the in silico prediction for this alteration is inconclusive. Based on the available evidence, the clinical significance of this variant remains unclear.

Labcorp Genetics (formerly Invitae), Labcorp
Classification: Uncertain significance for Gorlin syndrome. Last evaluated: 2023-06-29. Review status: criteria provided, single submitter. Criteria: Invitae Variant Classification Sherloc (09022015). Collection method: clinical testing. Allele origin: germline.
Comment: This variant is not present in population databases (gnomAD no frequency). This sequence change replaces lysine, which is basic and polar, with asparagine, which is neutral and polar, at codon 432 of the PTCH1 protein (p.Lys432Asn). In summary, the available evidence is currently insufficient to determine the role of this variant in disease. Therefore, it has been classified as a Variant of Uncertain Significance. Advanced modeling of protein sequence and biophysical properties (such as structural, functional, and spatial information, amino acid conservation, physicochemical variation, residue mobility, and thermodynamic stability) performed at Invitae indicates that this missense variant is not expected to disrupt PTCH1 protein function. This variant has not been reported in the literature in individuals affected with PTCH1-related conditions.

NM_000264.5(PTCH1):c.1296A>C (p.Lys432Asn)

Gene: PTCH1 (patched 1; minus strand). Cytogenetic location: 9q22.32.
Variant type: single nucleotide variant.
Coding change: c.1296A>C on transcript NM_000264.5 (MANE Select); coding-DNA position 1296, A replaced by C.
Protein change: p.Lys432Asn; replaces lysine 432 with asparagine.
Molecular consequence: missense variant. On other transcripts: non-coding transcript variant (1).
Genome position (GRCh38, 1-based): chr9:95,478,106, T>G on the plus strand (A>C on the coding strand, the complement: PTCH1 is on the minus strand). VCF-style: chr9-95478106-T-G. GRCh37 (hg19) VCF-style: chr9-98240388-T-G.
Other names: c.1098A>C, p.Lys366Asn (NM_001083602.3); c.1293A>C, p.Lys431Asn (NM_001083603.3); c.843A>C, p.Lys281Asn (NM_001083604.3, NM_001083605.3, NM_001083606.3 and 1 more transcripts); c.1296A>C, p.Lys432Asn (NM_001354918.2); short protein forms K281N, K366N, K431N, K432N.
Identifiers: ClinVar variation 2887270 (VCV002887270.4), dbSNP rs1564051490, ClinGen allele CA374118804.